The following is an entry in ClinVar:

NM_080680.3(COL11A2):c.1510C>T (p.Pro504Ser)

Gene: COL11A2 (collagen type XI alpha 2 chain; minus strand). Cytogenetic location: 6p21.32.
Variant type: single nucleotide variant.
Coding change: c.1510C>T on transcript NM_080680.3 (MANE Select); coding-DNA position 1510, C replaced by T.
Protein change: p.Pro504Ser; replaces proline 504 with serine.
Molecular consequence: missense variant.
Genome position (GRCh38, 1-based): chr6:33,179,278, G>A on the plus strand (C>T on the coding strand, the complement: COL11A2 is on the minus strand). VCF-style: chr6-33179278-G-A. GRCh37 (hg19) VCF-style: chr6-33147055-G-A.
Other names: c.1189C>T, p.Pro397Ser (NM_080679.3); c.1252C>T, p.Pro418Ser (NM_080681.3); short protein forms P418S, P504S, P397S.
Identifiers: ClinVar variation 1034218 (VCV001034218.5), dbSNP rs765609390, ClinGen allele CA3751323.

ClinVar aggregate classification (germline): Conflicting classifications of pathogenicity. Review status: criteria provided, conflicting classifications (1 of 4 stars). 3 submissions from 3 submitters: Uncertain significance (2); Likely benign (1). Last evaluated 2025-02-18.

Conditions:
Autosomal dominant nonsyndromic hearing loss 13. Identifiers: Orphanet 90635, MedGen C1866095, MONDO:0011159, OMIM 601868.

Allele frequency attached by ClinVar (database versions not stated): gnomAD 0.00001; TOPMed 0.00001; gnomAD exomes 0.00005 and 0.00006; ExAC 0.00014.
gnomAD v4.1: 28 of 1,610,542 alleles (0.0017%); highest among the groups gnomAD compares: Non-Finnish European, 0.0024%; no homozygotes.

Submissions (3):

GeneDx
Classification: Uncertain significance. Last evaluated: 2025-02-18. Review status: criteria provided, single submitter. Criteria: GeneDx Variant Classification Process June 2021. Collection method: clinical testing. Allele origin: germline. Affected: yes.
Comment: Has not been previously published as pathogenic or benign to our knowledge; In silico analysis supports that this missense variant has a deleterious effect on protein structure/function

Labcorp Genetics (formerly Invitae), Labcorp
Classification: Likely benign. Last evaluated: 2024-09-04. Review status: criteria provided, single submitter. Criteria: Invitae Variant Classification Sherloc (09022015). Collection method: clinical testing. Allele origin: germline.

Baylor Genetics
Classification: Uncertain significance for Autosomal dominant nonsyndromic hearing loss 13. Last evaluated: 2018-01-24. Review status: criteria provided, single submitter. Criteria: ACMG Guidelines, 2015. Collection method: clinical testing. Allele origin: unknown. Affected: yes.
Comment: This variant was determined to be of uncertain significance according to ACMG Guidelines, 2015 [PMID:25741868].